The following is an entry in ClinVar:

ClinVar aggregate classification (germline): Uncertain significance (1 of 4 stars; one submission).

Conditions:
Paediatric disorders.

Submission:

North West Genomic Laboratory Hub, Manchester University NHS Foundation Trust
Classification: Uncertain significance for Paediatric disorders. Last evaluated: 2026-05-04. Review status: criteria provided, single submitter. Criteria: ACGS Best Practice Guidelines for Variant Classification in Rare Disease 2024. Collection method: clinical testing. Allele origin: germline. Affected: yes.
Comment: PP2_Supp PM2_Mod PP3_Supp

NM_001170629.2(CHD8):c.6764T>A (p.Ile2255Asn)

Gene: CHD8 (chromodomain helicase DNA binding protein 8; minus strand). Cytogenetic location: 14q11.2.
Variant type: single nucleotide variant.
Coding change: c.6764T>A on transcript NM_001170629.2 (MANE Select); coding-DNA position 6764, T replaced by A.
Protein change: p.Ile2255Asn; replaces isoleucine 2255 with asparagine.
Molecular consequence: missense variant.
Genome position (GRCh38, 1-based): chr14:21,392,514, A>T on the plus strand (T>A on the coding strand, the complement: CHD8 is on the minus strand). VCF-style: chr14-21392514-A-T. GRCh37 (hg19) VCF-style: chr14-21860673-A-T.
Other names: c.5927T>A, p.Ile1976Asn (NM_020920.4); short protein forms I1976N, I2255N.
Identifiers: ClinVar variation 4851479 (VCV004851479.1).